The following is an entry in ClinVar:

NM_018055.5(NODAL):c.924C>T (p.Val308=)

Gene: NODAL (nodal growth differentiation factor; minus strand). Cytogenetic location: 10q22.1.
Variant type: single nucleotide variant.
Coding change: c.924C>T on transcript NM_018055.5 (MANE Select); coding-DNA position 924, C replaced by T.
Protein change: p.Val308=; no amino-acid change (valine 308 retained).
Molecular consequence: synonymous variant.
Genome position (GRCh38, 1-based): chr10:70,433,056, G>A on the plus strand (C>T on the coding strand, the complement: NODAL is on the minus strand). VCF-style: chr10-70433056-G-A. GRCh37 (hg19) VCF-style: chr10-72192812-G-A.
Other names: c.525C>T, p.Val175= (NM_001329906.2).
Identifiers: ClinVar variation 697197 (VCV000697197.26), dbSNP rs188029435, ClinGen allele CA5537496.

ClinVar aggregate classification (germline): Likely benign. Review status: criteria provided, multiple submitters, no conflicts (2 of 4 stars). 3 submissions from 3 submitters: Likely benign (3). Last evaluated 2026-08-23.

Conditions:
Heterotaxy, visceral, 5, autosomal (HTX5). Also called: Heterotaxy, visceral, 5. Identifiers: Orphanet 450, MedGen C3495537, MONDO:0700112, OMIM 270100.
Inborn genetic diseases. Identifiers: MedGen C0950123, MeSH D030342.

Allele frequency attached by ClinVar (database versions not stated): gnomAD 0.00006 and 0.00007; ESP Exome Variant Server 0.00008; TOPMed 0.00008; gnomAD exomes 0.00011; ExAC 0.00014; 1000 Genomes Project 30x 0.00031; 1000 Genomes Project 0.00040.
gnomAD v4.1: 119 of 1,614,102 alleles (0.0074%); highest among the groups gnomAD compares: Middle Eastern, 0.066%; no homozygotes.

Submissions (3):

Ambry Genetics
Classification: Likely benign for Inborn genetic diseases. Last evaluated: 2026-08-23. Review status: criteria provided, single submitter. Criteria: Ambry Variant Classification Scheme 2023. Collection method: clinical testing. Allele origin: germline.

Labcorp Genetics (formerly Invitae), Labcorp
Classification: Likely benign for Heterotaxy, visceral, 5, autosomal. Last evaluated: 2024-11-05. Review status: criteria provided, single submitter. Criteria: Invitae Variant Classification Sherloc (09022015). Collection method: clinical testing. Allele origin: germline.

CeGaT Center for Human Genetics Tuebingen
Classification: Likely benign. Last evaluated: 2024-09-01. Review status: criteria provided, single submitter. Criteria: CeGaT Center For Human Genetics Tuebingen Variant Classification Criteria Version 2. Collection method: clinical testing. Allele origin: germline. Affected: yes. Observed: 1 variant allele.
Comment: NODAL: BP4, BP7